The following is an entry in ClinVar:

NM_014336.5(AIPL1):c.95G>C (p.Arg32Pro)

Gene: AIPL1 (AIP like 1 HSP90 co-chaperone; minus strand). Cytogenetic location: 17p13.2.
Variant type: single nucleotide variant.
Coding change: c.95G>C on transcript NM_014336.5 (MANE Select); coding-DNA position 95, G replaced by C.
Protein change: p.Arg32Pro; replaces arginine 32 with proline.
Molecular consequence: missense variant. On other transcripts: 5 prime UTR variant (1).
Genome position (GRCh38, 1-based): chr17:6,435,010, C>G on the plus strand (G>C on the coding strand, the complement: AIPL1 is on the minus strand). VCF-style: chr17-6435010-C-G. GRCh37 (hg19) VCF-style: chr17-6338330-C-G.
Other names: c.95G>C, p.Arg32Pro (NM_001033054.3, NM_001033055.3, NM_001285399.3 and 3 more transcripts); c.-81G>C (NM_001285402.2); short protein forms R32P.
Identifiers: ClinVar variation 1354988 (VCV001354988.8), dbSNP rs1377279163, ClinGen allele CA397397739.
Genomic context (GRCh38, chr17:6,435,010, plus strand): 5'-CCTGGAATGTTGAAAGCTGCTGTGGGGGACCCTGTCTGCTCCGGAGGGGCCCCACTCACT[C>G]GGGATCCGGTGATGAAGTTTGGGAGCTCGCCCGTGCCCCCGTGCAGAATGGTTTTCTTGA-3'
Protein context (NP_055151.3, residues 22-42): GELPNFITGS[Arg32Pro]VIFHFRTMKC

ClinVar aggregate classification (germline): Uncertain significance (1 of 4 stars; one submission).

Conditions:
Leber congenital amaurosis 4 (LCA4). Identifiers: MedGen C1858386, MONDO:0011458, OMIM 604393.

Allele frequency attached by ClinVar (database versions not stated): TOPMed below 0.00001.

Submission:

Labcorp Genetics (formerly Invitae), Labcorp
Classification: Uncertain significance for Leber congenital amaurosis 4. Last evaluated: 2022-03-10. Review status: criteria provided, single submitter. Criteria: Invitae Variant Classification Sherloc (09022015). Collection method: clinical testing. Allele origin: germline.
Comment: This variant is not present in population databases (gnomAD no frequency). This sequence change replaces arginine, which is basic and polar, with proline, which is neutral and non-polar, at codon 32 of the AIPL1 protein (p.Arg32Pro). This variant has not been reported in the literature in individuals affected with AIPL1-related conditions. In summary, the available evidence is currently insufficient to determine the role of this variant in disease. Therefore, it has been classified as a Variant of Uncertain Significance. Algorithms developed to predict the effect of missense changes on protein structure and function (SIFT, PolyPhen-2, Align-GVGD) all suggest that this variant is likely to be disruptive.